The following is an entry in ClinVar:

ClinVar aggregate classification (germline): Likely benign. Review status: criteria provided, single submitter (1 of 4 stars). 2 submissions from 2 submitters: Likely benign (1). 1 of the submissions does not count toward it. Last evaluated 2022-03-31.

Conditions:
UGT1A1-related disorder. Also called: UGT1A1-related condition; UGT1A1-related disorders.

Allele frequency attached by ClinVar (database versions not stated): gnomAD 0.00001; TOPMed 0.00002.
gnomAD v4.1: 9 of 1,613,914 alleles (0.00056%); highest among the groups gnomAD compares: Admixed American, 0.013%; no homozygotes.

Submissions (2):

ARUP Laboratories, Molecular Genetics and Genomics, ARUP Laboratories
Classification: Likely benign. Last evaluated: 2022-03-31. Review status: criteria provided, single submitter. Criteria: ARUP Molecular Germline Variant Investigation Process 2021. Collection method: clinical testing. Allele origin: germline.

PreventionGenetics, part of Exact Sciences
Classification: Likely benign for UGT1A1-related condition. Last evaluated: 2022-11-07. Review status: no assertion criteria provided. Collection method: clinical testing. Allele origin: germline. Not counted in ClinVar's aggregate classification.
Comment: This variant is classified as likely benign based on ACMG/AMP sequence variant interpretation guidelines (Richards et al. 2015 PMID: 25741868, with internal and published modifications).

NM_000463.3(UGT1A1):c.57G>A (p.Val19=)

Genes: UGT1A (UDP glucuronosyltransferase family 1 member A complex locus; plus strand), UGT1A1 (UDP glucuronosyltransferase family 1 member A1; plus strand), UGT1A10 (UDP glucuronosyltransferase family 1 member A10; plus strand), UGT1A3 (UDP glucuronosyltransferase family 1 member A3; plus strand), UGT1A4 (UDP glucuronosyltransferase family 1 member A4; plus strand) and 5 more. Cytogenetic location: 2q37.1.
Variant type: single nucleotide variant.
Coding change: c.57G>A on transcript NM_000463.3 (MANE Select); coding-DNA position 57, G replaced by A.
Protein change: p.Val19=; no amino-acid change (valine 19 retained).
Molecular consequence: synonymous variant. On other transcripts: intron variant (9).
Genome position (GRCh38, 1-based): chr2:233,760,344, G>A. VCF-style: chr2-233760344-G-A. GRCh37 (hg19) VCF-style: chr2-234668990-G-A.
Other names: c.856-6690G>A (NM_019076.5, NM_019075.4, NM_021027.3 and 1 more transcripts); c.61-6690G>A (NM_205862.3); c.862-6690G>A (NM_001072.4); c.868-6690G>A (NM_019078.2, NM_007120.3, NM_019093.4).
Identifiers: ClinVar variation 2428552 (VCV002428552.5), dbSNP rs897355036, ClinGen allele CA67589547.